The following is an entry in ClinVar:

ClinVar aggregate classification (germline): Benign/Likely benign. Review status: criteria provided, multiple submitters, no conflicts (2 of 4 stars). 5 submissions from 5 submitters: Benign (2); Likely benign (1). 2 of the submissions do not count toward it. Last evaluated 2024-04-01.

Allele frequency attached by ClinVar (database versions not stated): 1000 Genomes Project 30x 0.00062; 1000 Genomes Project 0.00080; TOPMed 0.00195; ExAC 0.00199; gnomAD 0.00217; ESP Exome Variant Server 0.00277.
gnomAD v4.1: 4,025 of 1,614,198 alleles (0.25%); highest among the groups gnomAD compares: Non-Finnish European, 0.31%; 3 homozygotes.

Submissions (5):

CeGaT Center for Human Genetics Tuebingen
Classification: Likely benign. Last evaluated: 2024-04-01. Review status: criteria provided, single submitter. Criteria: CeGaT Center For Human Genetics Tuebingen Variant Classification Criteria Version 2. Collection method: clinical testing. Allele origin: germline. Affected: yes. Observed: 2 variant alleles.
Comment: FCGR2A: BP4, BP7

Labcorp Genetics (formerly Invitae), Labcorp
Classification: Benign. Last evaluated: 2018-07-06. Review status: criteria provided, single submitter. Criteria: Invitae Variant Classification Sherloc (09022015). Collection method: clinical testing. Allele origin: germline.

Breakthrough Genomics
Classification: Benign. Review status: criteria provided, single submitter. Criteria: ACMG Guidelines, 2015. Collection method: not provided. Allele origin: germline. Inheritance: Autosomal recessive inheritance. Affected: yes.

Clinical Genetics DNA and cytogenetics Diagnostics Lab, Erasmus MC, Erasmus Medical Center
Classification: Likely benign. Review status: no assertion criteria provided. Collection method: clinical testing. Allele origin: germline. Affected: yes. Study: VKGL Data-share Consensus. Not counted in ClinVar's aggregate classification.

Genome Diagnostics Laboratory, University Medical Center Utrecht
Classification: Likely benign. Review status: no assertion criteria provided. Collection method: clinical testing. Allele origin: germline. Affected: yes. Study: VKGL Data-share Consensus. Not counted in ClinVar's aggregate classification.

NM_001136219.3(FCGR2A):c.210C>T (p.Ser70=)

Gene: FCGR2A (Fc gamma receptor IIa; plus strand). Cytogenetic location: 1q23.3.
Variant type: single nucleotide variant.
Coding change: c.210C>T on transcript NM_001136219.3 (MANE Select); coding-DNA position 210, C replaced by T.
Protein change: p.Ser70=; no amino-acid change (serine 70 retained).
Molecular consequence: synonymous variant.
Genome position (GRCh38, 1-based): chr1:161,506,437, C>T. VCF-style: chr1-161506437-C-T. GRCh37 (hg19) VCF-style: chr1-161476227-C-T.
Other names: c.210C>T, p.Ser70= (NM_001375296.1); c.207C>T, p.Ser69= (NM_001375297.1, NM_021642.5).
Identifiers: ClinVar variation 714935 (VCV000714935.30), dbSNP rs148868087, ClinGen allele CA1210567.